The following is an entry in ClinVar:

ClinVar aggregate classification (germline): Uncertain significance (1 of 4 stars; one submission).

Submission:

Labcorp Genetics (formerly Invitae), Labcorp
Classification: Uncertain significance. Last evaluated: 2025-01-22. Review status: criteria provided, single submitter. Criteria: Invitae Variant Classification Sherloc (09022015). Collection method: clinical testing. Allele origin: germline.
Comment: This sequence change replaces aspartic acid, which is acidic and polar, with valine, which is neutral and non-polar, at codon 220 of the HK1 protein (p.Asp220Val). This variant is not present in population databases (gnomAD no frequency). This variant has not been reported in the literature in individuals affected with HK1-related conditions. Invitae Evidence Modeling of protein sequence and biophysical properties (such as structural, functional, and spatial information, amino acid conservation, physicochemical variation, residue mobility, and thermodynamic stability) indicates that this missense variant is not expected to disrupt HK1 protein function with a negative predictive value of 80%. In summary, the available evidence is currently insufficient to determine the role of this variant in disease. Therefore, it has been classified as a Variant of Uncertain Significance.

NM_000188.3(HK1):c.659A>T (p.Asp220Val)

Gene: HK1 (hexokinase 1; plus strand). Cytogenetic location: 10q22.1.
Variant type: single nucleotide variant.
Coding change: c.659A>T on transcript NM_000188.3 (MANE Select); coding-DNA position 659, A replaced by T.
Protein change: p.Asp220Val; replaces aspartic acid 220 with valine.
Molecular consequence: missense variant.
Genome position (GRCh38, 1-based): chr10:69,369,304, A>T. VCF-style: chr10-69369304-A-T. GRCh37 (hg19) VCF-style: chr10-71129060-A-T.
Other names: c.671A>T, p.Asp224Val (NM_001322364.2, NM_001358263.1, NM_033497.3 and 1 more transcripts); c.764A>T, p.Asp255Val (NM_001322365.2); c.575A>T, p.Asp192Val (NM_001322366.1); c.563A>T, p.Asp188Val (NM_001322367.1); c.656A>T, p.Asp219Val (NM_033496.3); c.623A>T, p.Asp208Val (NM_033500.2); short protein forms D255V, D188V, D219V, D220V, D224V, D192V, D208V.
Identifiers: ClinVar variation 3663225 (VCV003663225.2).
Genomic context (GRCh38, chr10:69,369,304, plus strand): 5'-ATGCCAACATCGTAGCTGTGGTGAATGACACAGTGGGCACCATGATGACCTGTGGCTATG[A>T]CGACCAGCACTGTGAAGTCGGCCTGATCATCGGTAATGCATTCCCCTTTGCCCATCCATT-3'
Protein context (NP_000179.2, residues 210-230): TVGTMMTCGY[Asp220Val]DQHCEVGLII